The following is an entry in ClinVar:

NM_001184900.3(CARD8):c.1009G>T (p.Val337Phe)

Gene: CARD8 (caspase recruitment domain family member 8; minus strand). Cytogenetic location: 19q13.33.
Variant type: single nucleotide variant.
Coding change: c.1009G>T on transcript NM_001184900.3 (MANE Select); coding-DNA position 1009, G replaced by T.
Protein change: p.Val337Phe; replaces valine 337 with phenylalanine.
Molecular consequence: missense variant. On other transcripts: non-coding transcript variant (4).
Genome position (GRCh38, 1-based): chr19:48,230,464, C>A on the plus strand (G>T on the coding strand, the complement: CARD8 is on the minus strand). VCF-style: chr19-48230464-C-A. GRCh37 (hg19) VCF-style: chr19-48733721-C-A.
Other names: c.859G>T, p.Val287Phe (NM_001184901.1, NM_001351783.2, NM_001351788.2 and 2 more transcripts); c.1009G>T, p.Val337Phe (NM_001184902.2, NM_001184903.1, NM_001351782.2); c.694G>T, p.Val232Phe (NM_001351784.2, NM_001351787.2, NM_001351791.2 and 1 more transcripts); c.673G>T, p.Val225Phe (NM_001351786.2); c.766G>T, p.Val256Phe (NM_001351790.2); c.691G>T, p.Val231Phe (NM_001365950.1); c.1009G>T (NM_001184900.1); short protein forms V225F, V231F, V232F, V256F, V287F, V337F.
Identifiers: ClinVar variation 2413651 (VCV002413651.7), dbSNP rs763645622, ClinGen allele CA9547847.

ClinVar aggregate classification (germline): Uncertain significance. Review status: criteria provided, multiple submitters, no conflicts (2 of 4 stars). 2 submissions from 2 submitters: Uncertain significance (2). Last evaluated 2025-10-18.

Allele frequency attached by ClinVar (database versions not stated): gnomAD 0.00001.

Submissions (2):

Labcorp Genetics (formerly Invitae), Labcorp
Classification: Uncertain significance. Last evaluated: 2025-10-18. Review status: criteria provided, single submitter. Criteria: Invitae Variant Classification Sherloc (09022015). Collection method: clinical testing. Allele origin: germline.
Comment: This sequence change replaces valine, which is neutral and non-polar, with phenylalanine, which is neutral and non-polar, at codon 287 of the CARD8 protein (p.Val287Phe). This variant is present in population databases (rs763645622, gnomAD 0.01%). This variant has not been reported in the literature in individuals affected with CARD8-related conditions. ClinVar contains an entry for this variant (Variation ID: 2413651). An algorithm developed to predict the effect of missense changes on protein structure and function (PolyPhen-2) suggests that this variant is likely to be disruptive. In summary, the available evidence is currently insufficient to determine the role of this variant in disease. Therefore, it has been classified as a Variant of Uncertain Significance.

Ambry Genetics
Classification: Uncertain significance. Last evaluated: 2024-01-08. Review status: criteria provided, single submitter. Criteria: Ambry Variant Classification Scheme 2023. Collection method: clinical testing. Allele origin: germline.